The following is an entry in ClinVar:

NM_005629.4(SLC6A8):c.533C>T (p.Thr178Ile)

Gene: SLC6A8 (solute carrier family 6 member 8; plus strand). Cytogenetic location: Xq28.
Variant type: single nucleotide variant.
Coding change: c.533C>T on transcript NM_005629.4 (MANE Select); coding-DNA position 533, C replaced by T.
Protein change: p.Thr178Ile; replaces threonine 178 with isoleucine.
Molecular consequence: missense variant.
Genome position (GRCh38, 1-based): chrX:153,691,442, C>T. VCF-style: chrX-153691442-C-T. GRCh37 (hg19) VCF-style: chrX-152956897-C-T.
Other names: c.533C>T, p.Thr178Ile (NM_001142805.2); c.188C>T, p.Thr63Ile (NM_001142806.1); short protein forms T178I, T63I.
Identifiers: ClinVar variation 3901535 (VCV003901535.2).
Genomic context (GRCh38, chrX:153,691,442, plus strand): 5'-ACCTGGTCAAGTCCTTTACCACCACGCTGCCCTGGGCCACATGTGGCCACACCTGGAACA[C>T]TCCCGACTGCGTGGAGATCTTCCGCCATGAAGACTGTGCCAATGCCAGCCTGGCCAACCT-3'
Protein context (NP_005620.1, residues 168-188): PWATCGHTWN[Thr178Ile]PDCVEIFRHE

ClinVar aggregate classification (germline): Uncertain significance. Review status: criteria provided, multiple submitters, no conflicts (2 of 4 stars). 2 submissions from 2 submitters: Uncertain significance (2). Last evaluated 2026-03-05.

Conditions:
Creatine transporter deficiency (CCDS1). Also called: CEREBRAL CREATINE DEFICIENCY SYNDROME 1; Creatine Transporter (CRTR) Deficiency; Mental retardation , X-linked with seizures, short stature and midface hypoplasia; Mental retardation , X-linked, with creatine transport deficiency; X-linked creatine transporter deficiency; X-linked creatine deficiency syndrome. Identifiers: Orphanet 52503, MedGen C1845862, MONDO:0010305, OMIM 300352.

Submissions (2):

Mendelics
Classification: Uncertain significance for Creatine transporter deficiency. Last evaluated: 2026-03-05. Review status: criteria provided, single submitter. Criteria: ACMG Guidelines, 2015. Collection method: clinical testing. Allele origin: unknown.
Comment: The available evidence is insufficient to conclusively determine the role of this variant. Therefore, it is classified as a Variant of Uncertain Significance.

GeneDx
Classification: Uncertain significance. Last evaluated: 2024-12-05. Review status: criteria provided, single submitter. Criteria: GeneDx Variant Classification Process June 2021. Collection method: clinical testing. Allele origin: germline. Affected: yes.
Comment: Not observed at significant frequency in large population cohorts (gnomAD); In silico analysis supports that this missense variant has a deleterious effect on protein structure/function; Has not been previously published as pathogenic or benign to our knowledge